The following is an entry in ClinVar:

NM_000275.3(OCA2):c.2170G>A (p.Ala724Thr)

Gene: OCA2 (OCA2 melanosomal transmembrane protein; minus strand). Cytogenetic location: 15q13.1.
Variant type: single nucleotide variant.
Coding change: c.2170G>A on transcript NM_000275.3 (MANE Select); coding-DNA position 2170, G replaced by A.
Protein change: p.Ala724Thr; replaces alanine 724 with threonine.
Molecular consequence: missense variant.
Genome position (GRCh38, 1-based): chr15:27,871,228, C>T on the plus strand (G>A on the coding strand, the complement: OCA2 is on the minus strand). VCF-style: chr15-27871228-C-T. GRCh37 (hg19) VCF-style: chr15-28116374-C-T.
Other names: c.2098G>A, p.Ala700Thr (NM_001300984.2); short protein forms A700T, A724T.
Identifiers: ClinVar variation 3409708 (VCV003409708.3).

ClinVar aggregate classification (germline): Uncertain significance. Review status: criteria provided, multiple submitters, no conflicts (2 of 4 stars). 2 submissions from 2 submitters: Uncertain significance (2). Last evaluated 2025-02-21.

Conditions:
Inborn genetic diseases. Identifiers: MedGen C0950123, MeSH D030342.

gnomAD v4.1: 6 of 1,614,092 alleles (0.00037%); highest among the groups gnomAD compares: Non-Finnish European, 0.00051%; no homozygotes.

Submissions (2):

Dasa
Classification: Uncertain significance. Last evaluated: 2025-02-21. Review status: criteria provided, single submitter. Criteria: DASA Assertion Criteria. Collection method: clinical testing. Allele origin: germline.
Comment: NM_000275.3(OCA2):c.2170G>A (p.Ala724Thr) is a missense variant that results in the substitution of alanine with threonine. The affected residue or protein region has prior evidence supporting clinical relevance. This variant is rare in population databases. The currently available literature and clinical evidence are not sufficient to establish a definitive association between this variant and the reported condition. Therefore, this variant is classified as a variant of uncertain significance.

Ambry Genetics
Classification: Uncertain significance for Inborn genetic diseases. Last evaluated: 2024-11-24. Review status: criteria provided, single submitter. Criteria: Ambry Variant Classification Scheme 2023. Collection method: clinical testing. Allele origin: germline.